The following is an entry in ClinVar:

ClinVar aggregate classification (germline): Uncertain significance (1 of 4 stars; one submission).

gnomAD v4.1: 4 of 1,610,058 alleles (0.00025%); highest among the groups gnomAD compares: Non-Finnish European, 0.00034%; no homozygotes.

Submission:

Labcorp Genetics (formerly Invitae), Labcorp
Classification: Uncertain significance. Last evaluated: 2025-03-18. Review status: criteria provided, single submitter. Criteria: Invitae Variant Classification Sherloc (09022015). Collection method: clinical testing. Allele origin: germline.
Comment: This sequence change falls in intron 14 of the GRHL2 gene. It does not directly change the encoded amino acid sequence of the GRHL2 protein. It affects a nucleotide within the consensus splice site. This variant is present in population databases (no rsID available, gnomAD 0.007%). This variant has not been reported in the literature in individuals affected with GRHL2-related conditions. Variants that disrupt the consensus splice site are a relatively common cause of aberrant splicing (PMID: 17576681, 9536098). Algorithms developed to predict the effect of sequence changes on RNA splicing suggest that this variant is not likely to affect RNA splicing. In summary, the available evidence is currently insufficient to determine the role of this variant in disease. Therefore, it has been classified as a Variant of Uncertain Significance.

Literature cited by the submitters: PubMed 17576681; PubMed 9536098.

NM_024915.4(GRHL2):c.1698+3A>G

Gene: GRHL2 (grainyhead like transcription factor 2; plus strand). Cytogenetic location: 8q22.3.
Variant type: single nucleotide variant.
Coding change: c.1698+3A>G on transcript NM_024915.4 (MANE Select); 3 bases into the intron after coding-DNA position 1698, A replaced by G.
Molecular consequence: intron variant.
Genome position (GRCh38, 1-based): chr8:101,649,502, A>G. VCF-style: chr8-101649502-A-G. GRCh37 (hg19) VCF-style: chr8-102661730-A-G.
Other names: c.1698+3A>G (NM_001440447.1); c.1650+3A>G (NM_001330593.2, NM_001440448.1).
Identifiers: ClinVar variation 4776197 (VCV004776197.1).